The following is an entry in ClinVar:

NM_007279.3(U2AF2):c.902G>A (p.Gly301Asp)

Gene: U2AF2 (U2 small nuclear RNA auxiliary factor 2; plus strand). Cytogenetic location: 19q13.42.
Variant type: single nucleotide variant.
Coding change: c.902G>A on transcript NM_007279.3 (MANE Select); coding-DNA position 902, G replaced by A.
Protein change: p.Gly301Asp; replaces glycine 301 with aspartic acid.
Molecular consequence: missense variant.
Genome position (GRCh38, 1-based): chr19:55,668,749, G>A. VCF-style: chr19-55668749-G-A. GRCh37 (hg19) VCF-style: chr19-56180115-G-A.
Other names: c.902G>A, p.Gly301Asp (NM_001012478.2); short protein forms G301D.
Identifiers: ClinVar variation 3603206 (VCV003603206.1).

ClinVar aggregate classification (germline): Uncertain significance (1 of 4 stars; one submission).

Submission:

GeneDx
Classification: Uncertain significance. Last evaluated: 2024-08-05. Review status: criteria provided, single submitter. Criteria: GeneDx Variant Classification Process June 2021. Collection method: clinical testing. Allele origin: germline. Affected: yes.
Comment: Not observed at significant frequency in large population cohorts (gnomAD); In silico analysis supports that this missense variant has a deleterious effect on protein structure/function; Has not been previously published as pathogenic or benign in association with U2AF2-related disorder to our knowledge; This variant is associated with the following publications: (PMID: 36040856, 33020180)